The following is an entry in ClinVar:

NM_000541.5(SAG):c.473C>A (p.Thr158Lys)

Gene: SAG (S-antigen visual arrestin; plus strand). Cytogenetic location: 2q37.1.
Variant type: single nucleotide variant.
Coding change: c.473C>A on transcript NM_000541.5 (MANE Select); coding-DNA position 473, C replaced by A.
Protein change: p.Thr158Lys; replaces threonine 158 with lysine.
Molecular consequence: missense variant.
Genome position (GRCh38, 1-based): chr2:233,327,158, C>A. VCF-style: chr2-233327158-C-A. GRCh37 (hg19) VCF-style: chr2-234235804-C-A.
Other names: short protein forms T158K.
Identifiers: ClinVar variation 855885 (VCV000855885.15), dbSNP rs199537652, ClinGen allele CA2174391.
Genomic context (GRCh38, chr2:233,327,158, plus strand): 5'-TGTCTGCTCTCTCTCCCCAACAGTCCTGTGGGGTTGACTTTGAGGTCAAAGCATTCGCCA[C>A]AGACAGCACCGATGCCGAAGAGGACAAAATCCCCAAGAAGTAAGAGTATGGTTGCGGAAT-3'
Protein context (NP_000532.2, residues 148-168): GVDFEVKAFA[Thr158Lys]DSTDAEEDKI

ClinVar aggregate classification (germline): Conflicting classifications of pathogenicity. Review status: criteria provided, conflicting classifications (1 of 4 stars). 8 submissions from 7 submitters: Uncertain significance (5); Likely benign (1). 2 of the submissions do not count toward it. Last evaluated 2026-08-11.

Conditions:
Retinal dystrophy. Also called: Inherited retinal dystrophy. Identifiers: Orphanet 71862, MedGen C0854723, MeSH D058499, MONDO:0019118, HP:0000556.
Retinitis pigmentosa (RP). Identifiers: Orphanet 791, MedGen C0035334, MeSH D012174, MONDO:0019200, OMIM 268000. Inheritance: Autosomal dominant, autosomal recessive and X linked inheritance.
SAG-related disorder. Also called: SAG-related disorders; SAG-related condition.
Oguchi disease. Also called: Oguchi's disease. Identifiers: Orphanet 75382, MedGen C1306122, MONDO:0019152.

Allele frequency attached by ClinVar (database versions not stated): ESP Exome Variant Server 0.00024; gnomAD exomes 0.00031; gnomAD 0.00032 and 0.00034; TOPMed 0.00032; ExAC 0.00037.
gnomAD v4.1: 807 of 1,613,764 alleles (0.05%); highest among the groups gnomAD compares: Non-Finnish European, 0.063%; no homozygotes.

Submissions (8):

PreventionGenetics, part of Exact Sciences
Classification: Uncertain significance for SAG-related condition. Last evaluated: 2026-08-11. Review status: criteria provided, single submitter. Criteria: ACMG Guidelines, 2015. Collection method: clinical testing. Allele origin: germline.
Comment: The SAG c.473C>A variant is predicted to result in the amino acid substitution p.Thr158Lys. This variant has been reported in individuals with retinitis pigmentosa, although these individuals also carried variants in additional genes that could possibly explain their phenotype (Eisenberger et al. 2013. PubMed ID: 24265693; Costa et al. 2017. PubMed ID: 28912962). This variant is reported in 0.052% of alleles in individuals of European (Non-Finnish) descent in gnomAD, which may be too common to be a primary cause of disease. Although we suspect this variant could possibly be benign, at this time its clinical significance is uncertain due the absence of conclusive functional and genetic evidence.

Labcorp Genetics (formerly Invitae), Labcorp
Classification: Uncertain significance. Last evaluated: 2024-11-05. Review status: criteria provided, single submitter. Criteria: Invitae Variant Classification Sherloc (09022015). Collection method: clinical testing. Allele origin: germline.
Comment: This sequence change replaces threonine, which is neutral and polar, with lysine, which is basic and polar, at codon 158 of the SAG protein (p.Thr158Lys). This variant is present in population databases (rs199537652, gnomAD 0.06%). This missense change has been observed in individual(s) with clinical features of retinitis pigmentosa (PMID: 24265693). ClinVar contains an entry for this variant (Variation ID: 855885). Invitae Evidence Modeling of protein sequence and biophysical properties (such as structural, functional, and spatial information, amino acid conservation, physicochemical variation, residue mobility, and thermodynamic stability) indicates that this missense variant is not expected to disrupt SAG protein function with a negative predictive value of 80%. In summary, the available evidence is currently insufficient to determine the role of this variant in disease. Therefore, it has been classified as a Variant of Uncertain Significance.

Blueprint Genetics
Classification: Likely benign. Last evaluated: 2024-09-12. Review status: criteria provided, single submitter. Criteria: ACMG Guidelines, 2015. Collection method: clinical testing. Allele origin: germline.

Institute of Human Genetics, Univ. Regensburg, Univ. Regensburg
Classification: Uncertain significance for Retinal dystrophy. Last evaluated: 2023-01-01. Review status: criteria provided, single submitter. Criteria: ACMG Guidelines, 2015. Collection method: clinical testing. Allele origin: germline. Affected: yes.

Illumina Laboratory Services, Illumina
Classification: Uncertain significance for Retinitis pigmentosa. Last evaluated: 2017-04-27. Review status: criteria provided, single submitter. Criteria: ICSL Variant Classification Criteria 13 December 2019. Collection method: clinical testing. Allele origin: germline.
Comment: This variant was observed as part of a predisposition screen in an ostensibly healthy population. A literature search was performed for the gene, cDNA change, and amino acid change (where applicable). Publications were found based on this search. However, the evidence from the literature, in combination with allele frequency data from public databases where available, was not sufficient to rule this variant in or out of causing disease. Therefore, this variant is classified as a variant of unknown significance.

Illumina Laboratory Services, Illumina
Classification: Uncertain significance for Oguchi disease-1. Last evaluated: 2017-04-27. Review status: criteria provided, single submitter. Criteria: ICSL Variant Classification Criteria 13 December 2019. Collection method: clinical testing. Allele origin: germline.

Clinical Genetics DNA and cytogenetics Diagnostics Lab, Erasmus MC, Erasmus Medical Center
Classification: Uncertain significance. Review status: no assertion criteria provided. Collection method: clinical testing. Allele origin: germline. Affected: yes. Study: VKGL Data-share Consensus. Not counted in ClinVar's aggregate classification.

Clinical Genetics, Academic Medical Center
Classification: Uncertain significance. Review status: no assertion criteria provided. Collection method: clinical testing. Allele origin: germline. Affected: yes. Study: VKGL Data-share Consensus. Not counted in ClinVar's aggregate classification.

Literature cited by the submitters: PubMed 24265693 (cited by 3 submitters).